The following is an entry in ClinVar:

ClinVar aggregate classification (germline): Uncertain significance. Review status: criteria provided, multiple submitters, no conflicts (2 of 4 stars). 2 submissions from 2 submitters: Uncertain significance (2). Last evaluated 2024-05-07.

Conditions:
Pyogenic bacterial infections due to MyD88 deficiency (IMD68). Also called: PYOGENIC BACTERIAL INFECTIONS, RECURRENT, DUE TO MYD88 DEFICIENCY. Identifiers: Orphanet 183713, MedGen C2677092, MONDO:0012839, OMIM 612260.

Allele frequency attached by ClinVar (database versions not stated): gnomAD exomes 0.00001 and 0.00002; gnomAD 0.00003; TOPMed 0.00003; ExAC 0.00006.

Submissions (2):

Blueprint Genetics
Classification: Uncertain significance. Last evaluated: 2024-05-07. Review status: criteria provided, single submitter. Criteria: ACMG Guidelines, 2015. Collection method: clinical testing. Allele origin: germline.

Labcorp Genetics (formerly Invitae), Labcorp
Classification: Uncertain significance for Pyogenic bacterial infections due to MyD88 deficiency. Last evaluated: 2022-05-06. Review status: criteria provided, single submitter. Criteria: Invitae Variant Classification Sherloc (09022015). Collection method: clinical testing. Allele origin: germline.
Comment: This sequence change affects the initiator methionine of the MYD88 mRNA. The next in-frame methionine is located at codon 14. This variant is present in population databases (rs763199298, gnomAD 0.01%). This variant has not been reported in the literature in individuals affected with MYD88-related conditions. ClinVar contains an entry for this variant (Variation ID: 1022664). Algorithms developed to predict the effect of sequence changes on RNA splicing suggest that this variant may create or strengthen a splice site. In summary, the available evidence is currently insufficient to determine the role of this variant in disease. Therefore, it has been classified as a Variant of Uncertain Significance.

NM_002468.5(MYD88):c.-39A>G

Gene: MYD88 (MYD88 innate immune signal transduction adaptor; plus strand). Cytogenetic location: 3p22.2.
Variant type: single nucleotide variant.
Coding change: c.-39A>G on transcript NM_002468.5 (MANE Select); 39 bases upstream of the start codon, A replaced by G.
Molecular consequence: 5 prime UTR variant.
Genome position (GRCh38, 1-based): chr3:38,138,662, A>G. VCF-style: chr3-38138662-A-G. GRCh37 (hg19) VCF-style: chr3-38180153-A-G.
Other names: c.-39A>G (NM_001172566.2, NM_001172567.2, NM_001172568.2 and 4 more transcripts).
Identifiers: ClinVar variation 1022664 (VCV001022664.3), dbSNP rs763199298, ClinGen allele CA2316004.